The following is an entry in ClinVar:

ClinVar aggregate classification (germline): Uncertain significance. Review status: criteria provided, multiple submitters, no conflicts (2 of 4 stars). 2 submissions from 2 submitters: Uncertain significance (2). Last evaluated 2022-09-01.

Conditions:
Inborn genetic diseases. Identifiers: MedGen C0950123, MeSH D030342.

Allele frequency attached by ClinVar (database versions not stated): ExAC 0.00002; gnomAD exomes 0.00002; gnomAD 0.00003; TOPMed 0.00003.
gnomAD v4.1: 30 of 1,591,806 alleles (0.0019%); highest among the groups gnomAD compares: East Asian, 0.0089%; no homozygotes.

Submissions (2):

Labcorp Genetics (formerly Invitae), Labcorp
Classification: Uncertain significance. Last evaluated: 2022-09-01. Review status: criteria provided, single submitter. Criteria: Invitae Variant Classification Sherloc (09022015). Collection method: clinical testing. Allele origin: germline.
Comment: This sequence change replaces valine, which is neutral and non-polar, with isoleucine, which is neutral and non-polar, at codon 556 of the ADGRG1 protein (p.Val556Ile). This variant is present in population databases (rs776564998, gnomAD 0.006%). This variant has not been reported in the literature in individuals affected with ADGRG1-related conditions. Advanced modeling of protein sequence and biophysical properties (such as structural, functional, and spatial information, amino acid conservation, physicochemical variation, residue mobility, and thermodynamic stability) performed at Invitae indicates that this missense variant is not expected to disrupt ADGRG1 protein function. In summary, the available evidence is currently insufficient to determine the role of this variant in disease. Therefore, it has been classified as a Variant of Uncertain Significance.

Ambry Genetics
Classification: Uncertain significance for Inborn genetic diseases. Last evaluated: 2021-08-12. Review status: criteria provided, single submitter. Criteria: Ambry Variant Classification Scheme 2023. Collection method: clinical testing. Allele origin: germline.

NM_201525.4(ADGRG1):c.1648G>A (p.Val550Ile)

Gene: ADGRG1 (adhesion G protein-coupled receptor G1; plus strand). Cytogenetic location: 16q21.
Variant type: single nucleotide variant.
Coding change: c.1648G>A on transcript NM_201525.4 (MANE Select); coding-DNA position 1648, G replaced by A.
Protein change: p.Val550Ile; replaces valine 550 with isoleucine.
Molecular consequence: missense variant.
Genome position (GRCh38, 1-based): chr16:57,660,860, G>A. VCF-style: chr16-57660860-G-A. GRCh37 (hg19) VCF-style: chr16-57694772-G-A.
Other names: c.1648G>A, p.Val550Ile (NM_001145770.3, NM_001145772.3, NM_001145774.3 and 7 more transcripts); c.1666G>A, p.Val556Ile (NM_001145771.3, NM_001370428.1, NM_001370429.1 and 4 more transcripts); c.1663G>A, p.Val555Ile (NM_001145773.3, NM_001370433.1, NM_001370434.1); c.1156G>A, p.Val386Ile (NM_001290142.2); c.1141G>A, p.Val381Ile (NM_001290143.2); c.1123G>A, p.Val375Ile (NM_001290144.2, NM_001370451.1, NM_001370453.1 and 1 more transcripts); c.1645G>A, p.Val549Ile (NM_001370441.1); c.1492G>A, p.Val498Ile (NM_001370442.1); and 1 more; short protein forms V381I, V555I, V556I, V386I, V549I, V375I, V498I, V550I.
Identifiers: ClinVar variation 2081292 (VCV002081292.2), dbSNP rs776564998, ClinGen allele CA8078811.